The following is an entry in ClinVar:

ClinVar aggregate classification (germline): Uncertain significance (1 of 4 stars; one submission).

Submission:

Labcorp Genetics (formerly Invitae), Labcorp
Classification: Uncertain significance. Last evaluated: 2024-01-14. Review status: criteria provided, single submitter. Criteria: Invitae Variant Classification Sherloc (09022015). Collection method: clinical testing. Allele origin: germline.
Comment: This sequence change replaces glutamic acid, which is acidic and polar, with valine, which is neutral and non-polar, at codon 565 of the SLCO5A1 protein (p.Glu565Val). This variant is not present in population databases (gnomAD no frequency). This variant has not been reported in the literature in individuals affected with SLCO5A1-related conditions. An algorithm developed to predict the effect of missense changes on protein structure and function (PolyPhen-2) suggests that this variant is likely to be tolerated. In summary, the available evidence is currently insufficient to determine the role of this variant in disease. Therefore, it has been classified as a Variant of Uncertain Significance.

NM_030958.3(SLCO5A1):c.1694A>T (p.Glu565Val)

Gene: SLCO5A1 (solute carrier organic anion transporter family member 5A1; minus strand). Cytogenetic location: 8q13.3.
Variant type: single nucleotide variant.
Coding change: c.1694A>T on transcript NM_030958.3 (MANE Select); coding-DNA position 1694, A replaced by T.
Protein change: p.Glu565Val; replaces glutamic acid 565 with valine.
Molecular consequence: missense variant.
Genome position (GRCh38, 1-based): chr8:69,682,272, T>A on the plus strand (A>T on the coding strand, the complement: SLCO5A1 is on the minus strand). VCF-style: chr8-69682272-T-A. GRCh37 (hg19) VCF-style: chr8-70594507-T-A.
Other names: c.1694A>T, p.Glu565Val (NM_001146008.2); c.1529A>T, p.Glu510Val (NM_001146009.1); short protein forms E510V, E565V.
Identifiers: ClinVar variation 2694843 (VCV002694843.3), dbSNP rs1212777721, ClinGen allele CA371234709.